The following is an entry in ClinVar:

NM_000093.5(COL5A1):c.3698C>T (p.Pro1233Leu)

Gene: COL5A1 (collagen type V alpha 1 chain; plus strand). Cytogenetic location: 9q34.3.
Variant type: single nucleotide variant.
Coding change: c.3698C>T on transcript NM_000093.5 (MANE Select); coding-DNA position 3698, C replaced by T.
Protein change: p.Pro1233Leu; replaces proline 1233 with leucine.
Molecular consequence: missense variant.
Genome position (GRCh38, 1-based): chr9:134,812,456, C>T. VCF-style: chr9-134812456-C-T. GRCh37 (hg19) VCF-style: chr9-137704302-C-T.
Other names: c.3698C>T, p.Pro1233Leu (NM_001278074.1); short protein forms P1233L.
Identifiers: ClinVar variation 264234 (VCV000264234.16), dbSNP rs886039091, ClinGen allele CA10587664.

ClinVar aggregate classification (germline): Uncertain significance. Review status: criteria provided, multiple submitters, no conflicts (2 of 4 stars). 3 submissions from 3 submitters: Uncertain significance (3). Last evaluated 2026-07-28.

Conditions:
Familial thoracic aortic aneurysm and aortic dissection (TAAD). Also called: Thoracic aortic aneurysms and dissections. Identifiers: Orphanet 91387, MedGen C4707243, MONDO:0019625.
Ehlers-Danlos syndrome, classic type, 1 (EDSCL1). Also called: Ehlers-Danlos syndrome, type 1; EHLERS-DANLOS SYNDROME, GRAVIS TYPE; EHLERS-DANLOS SYNDROME, SEVERE CLASSIC TYPE; EDS I; Ehlers-Danlos Syndrome, Classic Type, COL5A1-Related. Identifiers: MedGen C0268335, MONDO:0019567, OMIM 130000.

Allele frequency attached by ClinVar (database versions not stated): gnomAD exomes below 0.00001; TOPMed below 0.00001.
gnomAD v4.1: 1 of 1,614,084 alleles (0.000062%); highest among the groups gnomAD compares: Admixed American, 0.0017%; no homozygotes.

Submissions (3):

GeneDx
Classification: Uncertain significance. Last evaluated: 2026-07-28. Review status: criteria provided, single submitter. Criteria: GeneDx Variant Classification Process June 2021. Collection method: clinical testing. Allele origin: germline.
Comment: Has not been previously published as pathogenic or benign to our knowledge; Not observed at significant frequency in large population cohorts (gnomAD); In silico analysis supports that this missense variant has a deleterious effect on protein structure/function; Occurs in the triple helical domain at the Y position in the canonical Gly-X-Y repeat; although this variant may have an effect on normal protein folding and function, missense substitution at the Y position is not a common mechanism of disease (PMID: 22696272; HGMD); This variant is associated with the following publications: (PMID: 22696272)

Labcorp Genetics (formerly Invitae), Labcorp
Classification: Uncertain significance for Ehlers-Danlos syndrome, classic type, 1. Last evaluated: 2025-02-13. Review status: criteria provided, single submitter. Criteria: Invitae Variant Classification Sherloc (09022015). Collection method: clinical testing. Allele origin: germline.
Comment: This sequence change replaces proline, which is neutral and non-polar, with leucine, which is neutral and non-polar, at codon 1233 of the COL5A1 protein (p.Pro1233Leu). This variant is not present in population databases (gnomAD no frequency). This variant has not been reported in the literature in individuals affected with COL5A1-related conditions. ClinVar contains an entry for this variant (Variation ID: 264234). Invitae Evidence Modeling of protein sequence and biophysical properties (such as structural, functional, and spatial information, amino acid conservation, physicochemical variation, residue mobility, and thermodynamic stability) indicates that this missense variant is expected to disrupt COL5A1 protein function with a positive predictive value of 95%. In summary, the available evidence is currently insufficient to determine the role of this variant in disease. Therefore, it has been classified as a Variant of Uncertain Significance.

Ambry Genetics
Classification: Uncertain significance for Familial thoracic aortic aneurysm and aortic dissection. Last evaluated: 2015-08-18. Review status: criteria provided, single submitter. Criteria: Ambry Variant Classification Scheme 2023. Collection method: clinical testing. Allele origin: germline.
Comment: The p.P1233L variant (also known as c.3698C>T), located in coding exon 47 of the COL5A1 gene, results from a C to T substitution at nucleotide position 3698. The proline at codon 1233 is replaced by leucine, an amino acid with similar properties. This variant was not reported in population based cohorts in the following databases: Database of Single Nucleotide Polymorphisms (dbSNP), NHLBI Exome Sequencing Project (ESP), and 1000 Genomes Project. In the ESP, this variant was not observed in 6503 samples (13006 alleles) with coverage at this position. This amino acid position is highly conserved in available vertebrate species. In addition, this alteration is predicted to be deleterious by in silico analysis. Since supporting evidence is limited at this time, the clinical significance of this variant remains unclear.